The following is an entry in ClinVar:

ClinVar aggregate classification (germline): Uncertain significance (1 of 4 stars; one submission).

Allele frequency attached by ClinVar (database versions not stated): gnomAD exomes 0.00001; gnomAD 0.00003; TOPMed 0.00003.
gnomAD v4.1: 16 of 1,608,276 alleles (0.00099%); highest among the groups gnomAD compares: Non-Finnish European, 0.0014%; no homozygotes.

Submission:

Labcorp Genetics (formerly Invitae), Labcorp
Classification: Uncertain significance. Last evaluated: 2023-08-30. Review status: criteria provided, single submitter. Criteria: Invitae Variant Classification Sherloc (09022015). Collection method: clinical testing. Allele origin: germline.
Comment: This sequence change replaces serine, which is neutral and polar, with asparagine, which is neutral and polar, at codon 227 of the TGFB1 protein (p.Ser227Asn). The frequency data for this variant in the population databases is considered unreliable, as metrics indicate poor data quality at this position in the gnomAD database. This variant has not been reported in the literature in individuals affected with TGFB1-related conditions. ClinVar contains an entry for this variant (Variation ID: 2415689). Advanced modeling of protein sequence and biophysical properties (such as structural, functional, and spatial information, amino acid conservation, physicochemical variation, residue mobility, and thermodynamic stability) performed at Invitae indicates that this missense variant is not expected to disrupt TGFB1 protein function. In summary, the available evidence is currently insufficient to determine the role of this variant in disease. Therefore, it has been classified as a Variant of Uncertain Significance.

NM_000660.7(TGFB1):c.680G>A (p.Ser227Asn)

Gene: TGFB1 (transforming growth factor beta 1; minus strand). Cytogenetic location: 19q13.2.
Variant type: single nucleotide variant.
Coding change: c.680G>A on transcript NM_000660.7 (MANE Select); coding-DNA position 680, G replaced by A.
Protein change: p.Ser227Asn; replaces serine 227 with asparagine.
Molecular consequence: missense variant.
Genome position (GRCh38, 1-based): chr19:41,342,202, C>T on the plus strand (G>A on the coding strand, the complement: TGFB1 is on the minus strand). VCF-style: chr19-41342202-C-T. GRCh37 (hg19) VCF-style: chr19-41848107-C-T.
Other names: short protein forms S227N.
Identifiers: ClinVar variation 2415689 (VCV002415689.6), dbSNP rs201772874, ClinGen allele CA308569599.